The following is an entry in ClinVar:

ClinVar aggregate classification (germline): Uncertain significance (1 of 4 stars; one submission).

Conditions:
SCAPER-related disorder. Also called: SCAPER-related condition.

gnomAD v4.1: 10 of 1,613,898 alleles (0.00062%); highest among the groups gnomAD compares: African/African-American, 0.012%; no homozygotes.

Submission:

PreventionGenetics, part of Exact Sciences
Classification: Uncertain significance for SCAPER-related condition. Last evaluated: 2026-05-26. Review status: criteria provided, single submitter. Criteria: ACMG Guidelines, 2015. Collection method: clinical testing. Allele origin: germline.
Comment: The SCAPER c.3788A>G variant is predicted to result in the amino acid substitution p.His1263Arg. To our knowledge, this variant has not been reported in the literature. This variant is reported in 0.012% of alleles in individuals of African descent in gnomAD. At this time, the clinical significance of this variant is uncertain due to the absence of conclusive functional and genetic evidence.

NM_020843.4(SCAPER):c.3770A>G (p.His1257Arg)

Gene: SCAPER (S-phase cyclin A associated protein in the ER; minus strand). Cytogenetic location: 15q24.3.
Variant type: single nucleotide variant.
Coding change: c.3770A>G on transcript NM_020843.4 (MANE Select); coding-DNA position 3770, A replaced by G.
Protein change: p.His1257Arg; replaces histidine 1257 with arginine.
Molecular consequence: missense variant. On other transcripts: non-coding transcript variant (1).
Genome position (GRCh38, 1-based): chr15:76,376,247, T>C on the plus strand (A>G on the coding strand, the complement: SCAPER is on the minus strand). VCF-style: chr15-76376247-T-C. GRCh37 (hg19) VCF-style: chr15-76668588-T-C.
Other names: c.3032A>G, p.His1011Arg (NM_001145923.2); c.3788A>G, p.His1263Arg (NM_001353009.2); c.3368A>G, p.His1123Arg (NM_001353010.2, NM_001353012.2); c.3386A>G, p.His1129Arg (NM_001353011.2); short protein forms H1011R, H1129R, H1123R, H1257R, H1263R.
Identifiers: ClinVar variation 4983222 (VCV004983222.1).
Genomic context (GRCh38, chr15:76,376,247, plus strand): 5'-AAGTAGCCCACACAGACGATGACCTCATGAAGGAGGCTTTCACAGGAGACTTGGCTGCAG[T>C]GGCCCAGCAGGGAGCTGGCCATGTGCCGGAATGCAAGGGACAAGCCCTCTGCCCCTACAA-3'
Protein context (NP_065894.2, residues 1247-1267): FRHMASSLLG[His1257Arg]CSQVSCESLL